The following is an entry in ClinVar:

NM_001292034.3(TAB2):c.1186G>A (p.Gly396Arg)

Genes: TAB2 (TGF-beta activated kinase 1 (MAP3K7) binding protein 2; plus strand), LOC126859827 (BRD4-independent group 4 enhancer GRCh37_chr6:149699707-149700906; plus strand). Cytogenetic location: 6q25.1.
Variant type: single nucleotide variant.
Coding change: c.1186G>A on transcript NM_001292034.3 (MANE Select); coding-DNA position 1186, G replaced by A.
Protein change: p.Gly396Arg; replaces glycine 396 with arginine.
Molecular consequence: missense variant.
Genome position (GRCh38, 1-based): chr6:149,379,101, G>A. VCF-style: chr6-149379101-G-A. GRCh37 (hg19) VCF-style: chr6-149700237-G-A.
Other names: c.1090G>A, p.Gly364Arg (NM_001292035.3); c.1186G>A, p.Gly396Arg (NM_001369506.1, NM_015093.6); short protein forms G364R, G396R.
Identifiers: ClinVar variation 3324152 (VCV003324152.2).

ClinVar aggregate classification (germline): Uncertain significance. Review status: criteria provided, multiple submitters, no conflicts (2 of 4 stars). 2 submissions from 2 submitters: Uncertain significance (2). Last evaluated 2025-09-03.

Conditions:
Inborn genetic diseases. Identifiers: MedGen C0950123, MeSH D030342.

Submissions (2):

Labcorp Genetics (formerly Invitae), Labcorp
Classification: Uncertain significance. Last evaluated: 2025-09-03. Review status: criteria provided, single submitter. Criteria: Invitae Variant Classification Sherloc (09022015). Collection method: clinical testing. Allele origin: germline.
Comment: This sequence change replaces glycine, which is neutral and non-polar, with arginine, which is basic and polar, at codon 396 of the TAB2 protein (p.Gly396Arg). This variant is present in population databases (rs771838441, gnomAD 0.003%). This variant has not been reported in the literature in individuals affected with TAB2-related conditions. ClinVar contains an entry for this variant (Variation ID: 3324152). Invitae Evidence Modeling of protein sequence and biophysical properties (such as structural, functional, and spatial information, amino acid conservation, physicochemical variation, residue mobility, and thermodynamic stability) indicates that this missense variant is not expected to disrupt TAB2 protein function with a negative predictive value of 80%. In summary, the available evidence is currently insufficient to determine the role of this variant in disease. Therefore, it has been classified as a Variant of Uncertain Significance.

Ambry Genetics
Classification: Uncertain significance for Inborn genetic diseases. Last evaluated: 2024-06-18. Review status: criteria provided, single submitter. Criteria: Ambry Variant Classification Scheme 2023. Collection method: clinical testing. Allele origin: germline.